The following is an entry in ClinVar:

NM_001283009.2(RTEL1):c.3528G>C (p.Lys1176Asn)

Genes: RTEL1 (regulator of telomere elongation helicase 1; plus strand), RTEL1-TNFRSF6B (RTEL1-TNFRSF6B readthrough (NMD candidate); plus strand). Cytogenetic location: 20q13.33.
Variant type: single nucleotide variant.
Coding change: c.3528G>C on transcript NM_001283009.2 (MANE Select); coding-DNA position 3528, G replaced by C.
Protein change: p.Lys1176Asn; replaces lysine 1176 with asparagine.
Molecular consequence: missense variant. On other transcripts: non-coding transcript variant (1).
Genome position (GRCh38, 1-based): chr20:63,695,356, G>C. VCF-style: chr20-63695356-G-C. GRCh37 (hg19) VCF-style: chr20-62326709-G-C.
Other names: c.2859G>C, p.Lys953Asn (NM_001283010.1); c.3528G>C, p.Lys1176Asn (NM_016434.4); c.3600G>C, p.Lys1200Asn (NM_032957.5); short protein forms K1200N, K1176N, K953N.
Identifiers: ClinVar variation 664830 (VCV000664830.9), dbSNP rs367598119, ClinGen allele CA9966109.

ClinVar aggregate classification (germline): Uncertain significance. Review status: criteria provided, multiple submitters, no conflicts (2 of 4 stars). 4 submissions from 4 submitters: Uncertain significance (3). 1 of the submissions does not count toward it. Last evaluated 2025-12-16.

Conditions:
Dyskeratosis congenita, autosomal recessive 5 (DKCB5). Identifiers: MedGen C3554656, MONDO:0014076, OMIM 615190.
Pulmonary fibrosis and/or bone marrow failure, Telomere-related, 3. Also called: PULMONARY FIBROSIS AND/OR BONE MARROW FAILURE SYNDROME, TELOMERE-RELATED, 3. Identifiers: Orphanet 2032, MedGen C4225346, MONDO:0014613, OMIM 616373.
Dyskeratosis congenita. Identifiers: Orphanet 1775, MedGen C0265965, MONDO:0015780.

Allele frequency attached by ClinVar (database versions not stated): TOPMed 0.00006.
gnomAD v4.1: 64 of 1,549,648 alleles (0.0041%); highest among the groups gnomAD compares: Non-Finnish European, 0.0054%; no homozygotes.

Submissions (4):

Labcorp Genetics (formerly Invitae), Labcorp
Classification: Uncertain significance for Dyskeratosis congenita, autosomal recessive 5; Pulmonary fibrosis and/or bone marrow failure, Telomere-related, 3. Last evaluated: 2025-12-16. Review status: criteria provided, single submitter. Criteria: Invitae Variant Classification Sherloc (09022015). Collection method: clinical testing. Allele origin: germline.
Comment: This sequence change replaces lysine, which is basic and polar, with asparagine, which is neutral and polar, at codon 1176 of the RTEL1 protein (p.Lys1176Asn). This variant is present in population databases (rs367598119, gnomAD 0.006%). This variant has not been reported in the literature in individuals affected with RTEL1-related conditions. ClinVar contains an entry for this variant (Variation ID: 664830). An algorithm developed to predict the effect of missense changes on protein structure and function (PolyPhen-2) suggests that this variant is likely to be tolerated. In summary, the available evidence is currently insufficient to determine the role of this variant in disease. Therefore, it has been classified as a Variant of Uncertain Significance.

Fulgent Genetics
Classification: Uncertain significance for Dyskeratosis congenita, autosomal recessive 5; Pulmonary fibrosis and/or bone marrow failure, Telomere-related, 3. Last evaluated: 2022-02-16. Review status: criteria provided, single submitter. Criteria: ACMG Guidelines, 2015. Collection method: clinical testing. Allele origin: unknown.

Sema4
Classification: Uncertain significance for Dyskeratosis congenita. Last evaluated: 2021-11-26. Review status: criteria provided, single submitter. Criteria: Sema4 Curation Guidelines. Collection method: curation. Allele origin: germline.
Comment: The RTEL1 c.3528G>C p.K1176N variant has been reported in at least 1 individual with non-specific interstitial pneumonia (PMID: 31268371). It is also known as c.3600G>C (p.Lys1200Asn) in the literature. It was observed in 4/90004 chromosomes of the Non-Finnish European (NFE) subpopulation in the large and broad cohorts of the Genome Aggregation Database (PMID: 32461654). This variant has been reported in ClinVar (Variation ID 664830). Functional studies have not been performed, and in silico predictions of the variant's effect on protein function are inconclusive. The evidence is insufficient to meet ACMG/AMP criteria for classifying the variant as benign or pathogenic. Thus, the clinical significance of this variant is currently uncertain.

Natera, Inc.
Classification: Uncertain significance for Dyskeratosis congenita. Last evaluated: 2020-09-25. Review status: no assertion criteria provided. Collection method: clinical testing. Allele origin: germline. Not counted in ClinVar's aggregate classification.

Literature cited by the submitters: PubMed 31268371 (cited by Sema4).